The following is an entry in ClinVar:

NM_000427.3(LORICRIN):c.466G>C (p.Val156Leu)

Gene: LORICRIN (loricrin cornified envelope precursor protein; plus strand). Cytogenetic location: 1q21.3.
Variant type: single nucleotide variant.
Coding change: c.466G>C on transcript NM_000427.3 (MANE Select); coding-DNA position 466, G replaced by C.
Protein change: p.Val156Leu; replaces valine 156 with leucine.
Molecular consequence: missense variant.
Genome position (GRCh38, 1-based): chr1:153,261,415, G>C. VCF-style: chr1-153261415-G-C. GRCh37 (hg19) VCF-style: chr1-153233891-G-C.
Other names: short protein forms V156L.
Identifiers: ClinVar variation 2712439 (VCV002712439.10), dbSNP rs555551529, ClinGen allele CA1114334.

ClinVar aggregate classification (germline): Benign. Review status: criteria provided, multiple submitters, no conflicts (2 of 4 stars). 2 submissions from 2 submitters: Benign (2). Last evaluated 2025-11-27.

Allele frequency attached by ClinVar (database versions not stated): gnomAD 0.00045; gnomAD exomes 0.00078; 1000 Genomes Project 0.00160; 1000 Genomes Project 30x 0.00172; ExAC 0.00814.
gnomAD v4.1: 1,112 of 1,487,086 alleles (0.075%); highest among the groups gnomAD compares: South Asian, 1.1%; 12 homozygotes.

Submissions (2):

Labcorp Genetics (formerly Invitae), Labcorp
Classification: Benign. Last evaluated: 2025-11-27. Review status: criteria provided, single submitter. Criteria: Invitae Variant Classification Sherloc (09022015). Collection method: clinical testing. Allele origin: germline.

CeGaT Center for Human Genetics Tuebingen
Classification: Benign. Last evaluated: 2025-03-01. Review status: criteria provided, single submitter. Criteria: CeGaT Center For Human Genetics Tuebingen Variant Classification Criteria Version 2. Collection method: clinical testing. Allele origin: germline. Affected: yes. Observed: 1 variant allele.
Comment: LORICRIN: BP4, BS1, BS2